The following is an entry in ClinVar:

NM_000553.6(WRN):c.926T>C (p.Leu309Pro)

Gene: WRN (WRN RecQ like helicase; plus strand). Cytogenetic location: 8p12.
Variant type: single nucleotide variant.
Coding change: c.926T>C on transcript NM_000553.6 (MANE Select); coding-DNA position 926, T replaced by C.
Protein change: p.Leu309Pro; replaces leucine 309 with proline.
Molecular consequence: missense variant.
Genome position (GRCh38, 1-based): chr8:31,080,953, T>C. VCF-style: chr8-31080953-T-C. GRCh37 (hg19) VCF-style: chr8-30938469-T-C.
Other names: short protein forms L309P.
Identifiers: ClinVar variation 936468 (VCV000936468.5), dbSNP rs1813279492, ClinGen allele CA370919920.

ClinVar aggregate classification (germline): Uncertain significance (1 of 4 stars; one submission).

Conditions:
Werner syndrome (WRN). Identifiers: Orphanet 902, MedGen C0043119, MONDO:0010196, OMIM 277700.

Submission:

Labcorp Genetics (formerly Invitae), Labcorp
Classification: Uncertain significance for Werner syndrome. Last evaluated: 2019-05-22. Review status: criteria provided, single submitter. Criteria: Invitae Variant Classification Sherloc (09022015). Collection method: clinical testing. Allele origin: germline.
Comment: This sequence change replaces leucine with proline at codon 309 of the WRN protein (p.Leu309Pro). The leucine residue is moderately conserved and there is a moderate physicochemical difference between leucine and proline. This variant is not present in population databases (ExAC no frequency). In summary, the available evidence is currently insufficient to determine the role of this variant in disease. Therefore, it has been classified as a Variant of Uncertain Significance. Algorithms developed to predict the effect of missense changes on protein structure and function output the following: SIFT: "Tolerated"; PolyPhen-2: "Benign"; Align-GVGD: "Class C0". The proline amino acid residue is found in multiple mammalian species, suggesting that this missense change does not adversely affect protein function. These predictions have not been confirmed by published functional studies and their clinical significance is uncertain. This variant has not been reported in the literature in individuals with WRN-related conditions.